The following is an entry in ClinVar:

ClinVar aggregate classification (germline): Uncertain significance (1 of 4 stars; one submission).

Submission:

Labcorp Genetics (formerly Invitae), Labcorp
Classification: Uncertain significance. Last evaluated: 2025-04-02. Review status: criteria provided, single submitter. Criteria: Invitae Variant Classification Sherloc (09022015). Collection method: clinical testing. Allele origin: germline.
Comment: This sequence change replaces serine, which is neutral and polar, with threonine, which is neutral and polar, at codon 1392 of the NPAT protein (p.Ser1392Thr). This variant is not present in population databases (gnomAD no frequency). This variant has not been reported in the literature in individuals affected with NPAT-related conditions. An algorithm developed to predict the effect of missense changes on protein structure and function (PolyPhen-2) suggests that this variant is likely to be disruptive. In summary, the available evidence is currently insufficient to determine the role of this variant in disease. Therefore, it has been classified as a Variant of Uncertain Significance.

NM_002519.3(NPAT):c.4174T>A (p.Ser1392Thr)

Gene: NPAT (nuclear protein, coactivator of histone transcription; minus strand). Cytogenetic location: 11q22.3.
Variant type: single nucleotide variant.
Coding change: c.4174T>A on transcript NM_002519.3 (MANE Select); coding-DNA position 4174, T replaced by A.
Protein change: p.Ser1392Thr; replaces serine 1392 with threonine.
Molecular consequence: missense variant.
Genome position (GRCh38, 1-based): chr11:108,160,912, A>T on the plus strand (T>A on the coding strand, the complement: NPAT is on the minus strand). VCF-style: chr11-108160912-A-T. GRCh37 (hg19) VCF-style: chr11-108031639-A-T.
Other names: c.4195T>A, p.Ser1399Thr (NM_001321307.1); short protein forms S1399T, S1392T.
Identifiers: ClinVar variation 4716619 (VCV004716619.1).